The following is an entry in ClinVar:

ClinVar aggregate classification (germline): Uncertain significance (1 of 4 stars; one submission).

Conditions:
Alstrom syndrome (ALMS). Identifiers: Orphanet 64, MedGen C0268425, MONDO:0008763, OMIM 203800.

Submission:

Labcorp Genetics (formerly Invitae), Labcorp
Classification: Uncertain significance for Alstrom syndrome. Last evaluated: 2022-07-05. Review status: criteria provided, single submitter. Criteria: Invitae Variant Classification Sherloc (09022015). Collection method: clinical testing. Allele origin: germline.
Comment: This variant, c.9788delinsGGCC, is a complex sequence change that results in the deletion of 1 and insertion of 2 amino acid(s) in the ALMS1 protein (p.Gln3263delinsArgPro). This variant is not present in population databases (gnomAD no frequency). This variant has not been reported in the literature in individuals affected with ALMS1-related conditions. Experimental studies and prediction algorithms are not available or were not evaluated, and the functional significance of this variant is currently unknown. In summary, the available evidence is currently insufficient to determine the role of this variant in disease. Therefore, it has been classified as a Variant of Uncertain Significance.

NM_001378454.1(ALMS1):c.9785delinsGGCC (p.Gln3262delinsArgPro)

Gene: ALMS1 (ALMS1 centrosome and basal body associated protein; plus strand). Cytogenetic location: 2p13.1.
Variant type: Indel.
Coding change: c.9785delinsGGCC on transcript NM_001378454.1 (MANE Select); coding-DNA position 9785, A replaced by GGCC.
Protein change: p.Gln3262delinsArgPro.
Molecular consequence: inframe indel.
Genome position (GRCh38, 1-based): chr2:73,534,827, A replaced by GGCC. VCF-style: chr2-73534827-A-GGCC. GRCh37 (hg19) VCF-style: chr2-73761954-A-GGCC.
Other names: c.9788delinsGGCC, p.Gln3263delinsArgPro (NM_015120.4).
Identifiers: ClinVar variation 1982494 (VCV001982494.1), dbSNP rs2466339883, ClinGen allele CA2580068152.